The following is an entry in ClinVar:

NM_001854.4(COL11A1):c.5179A>C (p.Ser1727Arg)

Genes: COL11A1 (collagen type XI alpha 1 chain; minus strand), LOC126805814 (P300/CBP strongly-dependent group 1 enhancer GRCh37_chr1:103344928-103346127; plus strand). Cytogenetic location: 1p21.1.
Variant type: single nucleotide variant.
Coding change: c.5179A>C on transcript NM_001854.4 (MANE Select); coding-DNA position 5179, A replaced by C.
Protein change: p.Ser1727Arg; replaces serine 1727 with arginine.
Molecular consequence: missense variant. On other transcripts: non-coding transcript variant (1).
Genome position (GRCh38, 1-based): chr1:102,879,778, T>G on the plus strand (A>C on the coding strand, the complement: COL11A1 is on the minus strand). VCF-style: chr1-102879778-T-G. GRCh37 (hg19) VCF-style: chr1-103345334-T-G.
Other names: c.4831A>C, p.Ser1611Arg (NM_001168249.1, NM_080630.4); c.5062A>C, p.Ser1688Arg (NM_001190709.2); c.5215A>C, p.Ser1739Arg (NM_080629.3); short protein forms S1611R, S1688R, S1727R, S1739R.
Identifiers: ClinVar variation 1713986 (VCV001713986.6), dbSNP rs2524161677, ClinGen allele CA341210937.

ClinVar aggregate classification (germline): Uncertain significance (1 of 4 stars; one submission).

Submission:

Labcorp Genetics (formerly Invitae), Labcorp
Classification: Uncertain significance. Last evaluated: 2025-02-03. Review status: criteria provided, single submitter. Criteria: Invitae Variant Classification Sherloc (09022015). Collection method: clinical testing. Allele origin: germline.
Comment: This sequence change replaces serine, which is neutral and polar, with arginine, which is basic and polar, at codon 1727 of the COL11A1 protein (p.Ser1727Arg). This variant is not present in population databases (gnomAD no frequency). This variant has not been reported in the literature in individuals affected with COL11A1-related conditions. ClinVar contains an entry for this variant (Variation ID: 1713986). Invitae Evidence Modeling of protein sequence and biophysical properties (such as structural, functional, and spatial information, amino acid conservation, physicochemical variation, residue mobility, and thermodynamic stability) indicates that this missense variant is not expected to disrupt COL11A1 protein function with a negative predictive value of 80%. In summary, the available evidence is currently insufficient to determine the role of this variant in disease. Therefore, it has been classified as a Variant of Uncertain Significance.